The following is an entry in ClinVar:

ClinVar aggregate classification (germline): Likely pathogenic (1 of 4 stars; one submission).

Conditions:
HYPERHOMOCYSTEINEMIA, THROMBOTIC, CBS-RELATED. Identifiers: MedGen C3150344, OMIM 236200.

Submission:

Labcorp Genetics (formerly Invitae), Labcorp
Classification: Likely pathogenic for HYPERHOMOCYSTEINEMIA, THROMBOTIC, CBS-RELATED. Last evaluated: 2022-10-31. Review status: criteria provided, single submitter. Criteria: Invitae Variant Classification Sherloc (09022015). Collection method: clinical testing. Allele origin: germline.
Comment: This variant is not present in population databases (gnomAD no frequency). This sequence change replaces glycine, which is neutral and non-polar, with alanine, which is neutral and non-polar, at codon 148 of the CBS protein (p.Gly148Ala). This variant has not been reported in the literature in individuals affected with CBS-related conditions. Advanced modeling of protein sequence and biophysical properties (such as structural, functional, and spatial information, amino acid conservation, physicochemical variation, residue mobility, and thermodynamic stability) performed at Invitae indicates that this missense variant is expected to disrupt CBS protein function. This variant disrupts the p.Gly148 amino acid residue in CBS. Other variant(s) that disrupt this residue have been determined to be pathogenic (PMID: 15146473, 16307898, 16479318, 20694756). This suggests that this residue is clinically significant, and that variants that disrupt this residue are likely to be disease-causing. In summary, the currently available evidence indicates that the variant is pathogenic, but additional data are needed to prove that conclusively. Therefore, this variant has been classified as Likely Pathogenic.

Literature cited by the submitters: PubMed 15146473; PubMed 16307898; PubMed 16479318; PubMed 20694756.

NM_000071.3(CBS):c.443G>C (p.Gly148Ala)

Gene: CBS (cystathionine beta-synthase; minus strand). Cytogenetic location: 21q22.3.
Variant type: single nucleotide variant.
Coding change: c.443G>C on transcript NM_000071.3 (MANE Select); coding-DNA position 443, G replaced by C.
Protein change: p.Gly148Ala; replaces glycine 148 with alanine.
Molecular consequence: missense variant.
Genome position (GRCh38, 1-based): chr21:43,066,251, C>G on the plus strand (G>C on the coding strand, the complement: CBS is on the minus strand). VCF-style: chr21-43066251-C-G. GRCh37 (hg19) VCF-style: chr21-44486361-C-G.
Other names: c.443G>C, p.Gly148Ala (NM_001178008.3, NM_001178009.3, NM_001320298.2); c.128G>C, p.Gly43Ala (NM_001321072.1); short protein forms G43A, G148A.
Identifiers: ClinVar variation 1980875 (VCV001980875.4), dbSNP rs2517452643, ClinGen allele CA410601631.